The following is an entry in ClinVar:

ClinVar aggregate classification (germline): Uncertain significance (1 of 4 stars; one submission).

Conditions:
Aortic aneurysm, familial thoracic 4 (AAT4). Also called: AORTIC ANEURYSM/AORTIC DISSECTION AND PATENT DUCTUS ARTERIOSUS. Identifiers: MedGen C1851504, MONDO:0007568, OMIM 132900.

Submission:

Labcorp Genetics (formerly Invitae), Labcorp
Classification: Uncertain significance for Aortic aneurysm, familial thoracic 4. Last evaluated: 2021-10-17. Review status: criteria provided, single submitter. Criteria: Invitae Variant Classification Sherloc (09022015). Collection method: clinical testing. Allele origin: germline.
Comment: This sequence change replaces threonine with isoleucine at codon 1943 of the MYH11 protein (p.Thr1943Ile). The threonine residue is weakly conserved and there is a moderate physicochemical difference between threonine and isoleucine. This variant is not present in population databases (ExAC no frequency). This variant has not been reported in the literature in individuals affected with MYH11-related conditions. Algorithms developed to predict the effect of missense changes on protein structure and function (SIFT, PolyPhen-2, Align-GVGD) all suggest that this variant is likely to be tolerated. In summary, the available evidence is currently insufficient to determine the role of this variant in disease. Therefore, it has been classified as a Variant of Uncertain Significance.

NM_001040113.2(MYH11):c.5828C>T (p.Thr1943Ile)

Genes: NDE1 (nudE neurodevelopment protein 1; plus strand), MYH11 (myosin heavy chain 11; minus strand). Cytogenetic location: 16p13.11.
Variant type: single nucleotide variant.
Coding change: c.5828C>T on transcript NM_001040113.2 (MANE Plus Clinical); coding-DNA position 5828, C replaced by T.
Protein change: p.Thr1943Ile; replaces threonine 1943 with isoleucine.
Molecular consequence: missense variant. On other transcripts: intron variant (4).
Genome position (GRCh38, 1-based): chr16:15,708,821, G>A on the plus strand (C>T on the coding strand, the complement: MYH11 is on the minus strand). VCF-style: chr16-15708821-G-A. GRCh37 (hg19) VCF-style: chr16-15802678-G-A.
Other names: c.5807C>T, p.Thr1936Ile (NM_022844.3); c.947+11961G>A (NM_001143979.2, NM_017668.3); c.5787-4698C>T (NM_002474.3); c.5808-4698C>T (NM_001040114.2); short protein forms T1936I, T1943I.
Identifiers: ClinVar variation 1421510 (VCV001421510.6), dbSNP rs2151173196, ClinGen allele CA394844583.